The following is an entry in ClinVar:

ClinVar aggregate classification (germline): Uncertain significance (1 of 4 stars; one submission).

Submission:

GeneDx
Classification: Uncertain significance. Last evaluated: 2024-04-23. Review status: criteria provided, single submitter. Criteria: GeneDx Variant Classification Process June 2021. Collection method: clinical testing. Allele origin: germline. Affected: yes.
Comment: Not observed at significant frequency in large population cohorts (gnomAD); In silico analysis supports that this missense variant has a deleterious effect on protein structure/function; Has not been previously published as pathogenic or benign to our knowledge

NM_005499.3(UBA2):c.1131A>T (p.Lys377Asn)

Gene: UBA2 (ubiquitin like modifier activating enzyme 2; plus strand). Cytogenetic location: 19q13.11.
Variant type: single nucleotide variant.
Coding change: c.1131A>T on transcript NM_005499.3 (MANE Select); coding-DNA position 1131, A replaced by T.
Protein change: p.Lys377Asn; replaces lysine 377 with asparagine.
Molecular consequence: missense variant.
Genome position (GRCh38, 1-based): chr19:34,454,352, A>T. VCF-style: chr19-34454352-A-T. GRCh37 (hg19) VCF-style: chr19-34945257-A-T.
Other names: c.843A>T, p.Lys281Asn (NM_001411139.1); short protein forms K281N, K377N.
Identifiers: ClinVar variation 3381464 (VCV003381464.1).
Genomic context (GRCh38, chr19:34,454,352, plus strand): 5'-TGCTGCAAACCTCAGGATGCATATTTTCAGTATGAATATGAAGAGTAGATTTGATATCAA[A>T]TGTAAGTTATTTGTACTAAAGTTGTATCACTAAAACCTTGAAGTTGTTTTTTAAACAGTG-3'
Protein context (NP_005490.1, residues 367-387): SMNMKSRFDI[Lys377Asn]SMAGNIIPAI